The following is an entry in ClinVar:

NM_007294.4(BRCA1):c.5561T>A (p.Leu1854Gln)

Gene: BRCA1 (BRCA1 DNA repair associated; minus strand). Cytogenetic location: 17q21.31.
Variant type: single nucleotide variant.
Coding change: c.5561T>A on transcript NM_007294.4 (MANE Select); coding-DNA position 5561, T replaced by A.
Protein change: p.Leu1854Gln; replaces leucine 1854 with glutamine.
Molecular consequence: missense variant. On other transcripts: 3 prime UTR variant (1), non-coding transcript variant (1).
Genome position (GRCh38, 1-based): chr17:43,045,709, A>T on the plus strand (T>A on the coding strand, the complement: BRCA1 is on the minus strand). VCF-style: chr17-43045709-A-T. GRCh37 (hg19) VCF-style: chr17-41197726-A-T.
Other names: c.5348T>A, p.Leu1783Gln (NM_001407571.1, NM_001407898.1, NM_001407899.1 and 12 more transcripts); c.5627T>A, p.Leu1876Gln (NM_001407581.1, NM_001407582.1); c.5624T>A, p.Leu1875Gln (NM_001407583.1, NM_001407585.1, NM_001407587.1 and 1 more transcripts); c.5621T>A, p.Leu1874Gln (NM_001407590.1, NM_001407591.1); c.5561T>A, p.Leu1854Gln (NM_001407593.1, NM_001407594.1, NM_001407596.1 and 5 more transcripts); c.5558T>A, p.Leu1853Gln (NM_001407610.1, NM_001407611.1, NM_001407612.1 and 14 more transcripts); c.5555T>A, p.Leu1852Gln (NM_001407627.1, NM_001407628.1, NM_001407629.1 and 13 more transcripts); c.5549T>A, p.Leu1850Gln (NM_001407646.1); and 74 more; short protein forms L1807Q, L750Q, L1854Q, L1875Q, L1557Q, L1727Q, L1765Q, L1782Q.
Identifiers: ClinVar variation 867669 (VCV000867669.3), dbSNP rs80356996, ClinGen allele CA10590202.
Genomic context (GRCh38, chr17:43,045,709, plus strand): 5'-TGTGGCTCTGTACCTGTGGCTGGCTGCAGTCAGTAGTGGCTGTGGGGGATCTGGGGTATC[A>T]GGTAGGTGTCCAGCTCCTGGCACTGGTAGAGTGCTACACTGTCCAACACCCACTCTCGGG-3'
Protein context (NP_009225.1, residues 1844-1863): LYQCQELDTY[Leu1854Gln]IPQIPHSHY

Conditions:
Breast-ovarian cancer, familial, susceptibility to, 1 (BROVCA1). Also called: BRCA1 Hereditary Breast and Ovarian Cancer; OVARIAN CANCER, SUSCEPTIBILITY TO. Identifiers: Orphanet 145, MedGen C2676676, MONDO:0011450, OMIM 604370. Disease mechanism: loss of function.

Submission:

Brotman Baty Institute, University of Washington
No classification provided (evidence only). Condition: Breast-ovarian cancer, familial 1. Review status: no classification provided. Collection method: in vitro. Allele origin: not applicable. Functional consequence: functionally_normal.
ClinVar note: "not provided" was previously submitted as the classification for the variant. However, the classification appeared to be based only on an observation of functional data so it was converted to no classification on 2025-07-30.